The following is an entry in ClinVar:

ClinVar aggregate classification (germline): Pathogenic (1 of 4 stars; one submission).

Conditions:
Alkuraya-Kucinskas syndrome. Identifiers: Orphanet 610569, MedGen C4693347, MONDO:0060631, OMIM 617822.

Allele frequency attached by ClinVar (database versions not stated): gnomAD exomes below 0.00001.
gnomAD v4.1: 1 of 1,614,084 alleles (0.000062%); highest among the groups gnomAD compares: Non-Finnish European, 0.000085%; no homozygotes.

Submission:

Women's Health and Genetics/Laboratory Corporation of America, LabCorp
Classification: Pathogenic for Alkuraya-Kucinskas syndrome. Last evaluated: 2023-08-14. Review status: criteria provided, single submitter. Criteria: LabCorp Variant Classification Summary - May 2015. Collection method: clinical testing. Allele origin: germline.
Comment: Variant summary: KIAA1109 c.8740C>T (p.Arg2914X) results in a premature termination codon, predicted to cause a truncation of the encoded protein or absence of the protein due to nonsense mediated decay, which are commonly known mechanisms for disease. The variant was absent in 249392 control chromosomes (gnomAD). To our knowledge, no occurrence of c.8740C>T in individuals affected with Alkuraya-Kucinskas Syndrome and no experimental evidence demonstrating its impact on protein function have been reported. No submitters have cited clinical-significance assessments for this variant to ClinVar after 2014. Based on the evidence outlined above, the variant was classified as pathogenic.

NM_001384125.1(BLTP1):c.8740C>T (p.Arg2914Ter)

Gene: BLTP1 (bridge-like lipid transfer protein family member 1; plus strand). Cytogenetic location: 4q27.
Variant type: single nucleotide variant.
Coding change: c.8740C>T on transcript NM_001384125.1 (MANE Select); coding-DNA position 8740, C replaced by T.
Protein change: p.Arg2914Ter; replaces arginine 2914 with a stop codon.
Molecular consequence: nonsense.
Genome position (GRCh38, 1-based): chr4:122,279,923, C>T. VCF-style: chr4-122279923-C-T. GRCh37 (hg19) VCF-style: chr4-123201078-C-T.
Other names: c.8740C>T, p.Arg2914Ter (NM_015312.4); short protein forms R2914*.
Identifiers: ClinVar variation 2581689 (VCV002581689.1), dbSNP rs1771788877, ClinGen allele CA358075653.
Genomic context (GRCh38, chr4:122,279,923, plus strand): 5'-GTAGGAGCTATCAGTATCAACATTCCTCAGCACCCTGCCACCTTACATAGCATGATGGTT[C>T]GAAGTTCTCACCAACTATCTAAACAAATCTCAGACCTAATCAGACAGCCTTCTACAGCGT-3'